The following is an entry in ClinVar:

ClinVar aggregate classification (germline): Likely benign (1 of 4 stars; one submission).

gnomAD v4.1: 501 of 1,613,854 alleles (0.031%); highest among the groups gnomAD compares: Middle Eastern, 0.36%; 1 homozygote.

Submission:

CeGaT Center for Human Genetics Tuebingen
Classification: Likely benign. Last evaluated: 2026-07-01. Review status: criteria provided, single submitter. Criteria: CeGaT Center For Human Genetics Tuebingen Variant Classification Criteria Version 2. Collection method: clinical testing. Allele origin: germline. Affected: yes. Observed: 1 variant allele.
Comment: SIRPB1: BP4, BP7

NM_006065.5(SIRPB1):c.693C>T (p.His231=)

Gene: SIRPB1 (signal regulatory protein beta 1; minus strand). Cytogenetic location: 20p13.
Variant type: single nucleotide variant.
Coding change: c.693C>T on transcript NM_006065.5 (MANE Select); coding-DNA position 693, C replaced by T.
Protein change: p.His231=; no amino-acid change (histidine 231 retained).
Molecular consequence: synonymous variant. On other transcripts: intron variant (2).
Genome position (GRCh38, 1-based): chr20:1,571,778, G>A on the plus strand (C>T on the coding strand, the complement: SIRPB1 is on the minus strand). VCF-style: chr20-1571778-G-A. GRCh37 (hg19) VCF-style: chr20-1552424-G-A.
Other names: c.434-5511C>T (NM_001083910.4); c.431-5511C>T (NM_001330639.2).
Identifiers: ClinVar variation 5038622 (VCV005038622.1).